The following is an entry in ClinVar:

ClinVar aggregate classification (germline): Uncertain significance. Review status: criteria provided, multiple submitters, no conflicts (2 of 4 stars). 2 submissions from 2 submitters: Uncertain significance (2). Last evaluated 2022-03-02.

Allele frequency attached by ClinVar (database versions not stated): TOPMed below 0.00001; gnomAD 0.00001; gnomAD exomes 0.00001; 1000 Genomes Project 30x 0.00016; 1000 Genomes Project 0.00020.
gnomAD v4.1: 1 of 1,531,912 alleles (0.000065%); highest among the groups gnomAD compares: East Asian, 0.0024%; no homozygotes.

Submissions (2):

Labcorp Genetics (formerly Invitae), Labcorp
Classification: Uncertain significance. Last evaluated: 2022-03-02. Review status: criteria provided, single submitter. Criteria: Invitae Variant Classification Sherloc (09022015). Collection method: clinical testing. Allele origin: germline.
Comment: This sequence change replaces arginine, which is basic and polar, with glycine, which is neutral and non-polar, at codon 884 of the ARHGEF18 protein (p.Arg884Gly). This variant is present in population databases (rs537838138, gnomAD 0.01%). This variant has not been reported in the literature in individuals affected with ARHGEF18-related conditions. Algorithms developed to predict the effect of missense changes on protein structure and function are either unavailable or do not agree on the potential impact of this missense change (SIFT: "Deleterious"; PolyPhen-2: "Probably Damaging"; Align-GVGD: "Class C0"). In summary, the available evidence is currently insufficient to determine the role of this variant in disease. Therefore, it has been classified as a Variant of Uncertain Significance.

Blueprint Genetics
Classification: Uncertain significance. Last evaluated: 2020-01-02. Review status: criteria provided, single submitter. Criteria: ACMG Guidelines, 2015. Collection method: clinical testing. Allele origin: germline.

NM_001367823.1(ARHGEF18):c.3214C>G (p.Arg1072Gly)

Gene: ARHGEF18 (Rho/Rac guanine nucleotide exchange factor 18; plus strand). Cytogenetic location: 19p13.2.
Variant type: single nucleotide variant.
Coding change: c.3214C>G on transcript NM_001367823.1 (MANE Select); coding-DNA position 3214, C replaced by G.
Protein change: p.Arg1072Gly; replaces arginine 1072 with glycine.
Molecular consequence: missense variant.
Genome position (GRCh38, 1-based): chr19:7,467,418, C>G. VCF-style: chr19-7467418-C-G. GRCh37 (hg19) VCF-style: chr19-7532304-C-G.
Other names: c.2488C>G, p.Arg830Gly (NM_001130955.2); c.2176C>G, p.Arg726Gly (NM_001367824.1, NM_015318.4); short protein forms R1072G, R830G, R726G.
Identifiers: ClinVar variation 1498744 (VCV001498744.6), dbSNP rs537838138, ClinGen allele CA304856539.